The following is an entry in ClinVar:

ClinVar aggregate classification (germline): Uncertain significance (1 of 4 stars; one submission).

Conditions:
Baller-Gerold syndrome (BGS). Also called: CRANIOSYNOSTOSIS WITH RADIAL DEFECTS. Identifiers: Orphanet 1225, MedGen C0265308, MONDO:0009039, OMIM 218600.

gnomAD v4.1: 1 of 1,611,000 alleles (0.000062%); highest among the groups gnomAD compares: African/African-American, 0.0013%; no homozygotes.

Submission:

Labcorp Genetics (formerly Invitae), Labcorp
Classification: Uncertain significance for Baller-Gerold syndrome. Last evaluated: 2024-10-26. Review status: criteria provided, single submitter. Criteria: Invitae Variant Classification Sherloc (09022015). Collection method: clinical testing. Allele origin: germline.
Comment: This sequence change replaces proline, which is neutral and non-polar, with arginine, which is basic and polar, at codon 591 of the RECQL4 protein (p.Pro591Arg). This variant is present in population databases (no rsID available, gnomAD 0.01%). This variant has not been reported in the literature in individuals affected with RECQL4-related conditions. ClinVar contains an entry for this variant (Variation ID: 971298). Invitae Evidence Modeling of protein sequence and biophysical properties (such as structural, functional, and spatial information, amino acid conservation, physicochemical variation, residue mobility, and thermodynamic stability) indicates that this missense variant is not expected to disrupt RECQL4 protein function with a negative predictive value of 80%. In summary, the available evidence is currently insufficient to determine the role of this variant in disease. Therefore, it has been classified as a Variant of Uncertain Significance.

NM_004260.4(RECQL4):c.1772C>G (p.Pro591Arg)

Gene: RECQL4 (RecQ like helicase 4; minus strand). Cytogenetic location: 8q24.3.
Variant type: single nucleotide variant.
Coding change: c.1772C>G on transcript NM_004260.4 (MANE Select); coding-DNA position 1772, C replaced by G.
Protein change: p.Pro591Arg; replaces proline 591 with arginine.
Molecular consequence: missense variant.
Genome position (GRCh38, 1-based): chr8:144,514,295, G>C on the plus strand (C>G on the coding strand, the complement: RECQL4 is on the minus strand). VCF-style: chr8-144514295-G-C. GRCh37 (hg19) VCF-style: chr8-145739679-G-C.
Other names: short protein forms P591R.
Identifiers: ClinVar variation 971298 (VCV000971298.7), dbSNP rs2721191, ClinGen allele CA372681000.